The following is an entry in ClinVar:

ClinVar aggregate classification (germline): Likely pathogenic. Review status: criteria provided, multiple submitters, no conflicts (2 of 4 stars). 2 submissions from 2 submitters: Likely pathogenic (2). Last evaluated 2026-01-29.

Conditions:
Polyglucosan body myopathy type 2. Identifiers: Orphanet 456369, MedGen C4015452, MONDO:0014526, OMIM 616199.
Glycogen storage disease XV (GSD15). Also called: GLYCOGENIN DEFICIENCY; GSD XV. Identifiers: Orphanet 263297, MedGen C3150754, MONDO:0013291, OMIM 613507.

Allele frequency attached by ClinVar (database versions not stated): TOPMed below 0.00001; ExAC 0.00001; gnomAD 0.00001.
gnomAD v4.1: 6 of 1,609,526 alleles (0.00037%); highest among the groups gnomAD compares: South Asian, 0.0033%; no homozygotes.

Submissions (2):

Victorian Clinical Genetics Services, Murdoch Childrens Research Institute
Classification: Likely pathogenic for Polyglucosan body myopathy type 2. Last evaluated: 2026-01-29. Review status: criteria provided, single submitter. Criteria: ACMG Guidelines, 2015. Collection method: clinical testing. Allele origin: germline.
Comment: This variant is classified as Likely pathogenic. Evidence in support of pathogenic classification: Canonical splice site variant without proven consequence on splicing (no functional evidence available); Variant is present in gnomAD <0.01 for a recessive condition (v4: 6 heterozygote(s), 0 homozygote(s)); This variant has limited previous evidence of pathogenicity in an unrelated individual(s). This variant has been classified as likely pathogenic by a clinical laboratory in ClinVar; Abnormal splicing is predicted by in silico tool and affected nucleotide is highly conserved; Heterozygous variant detected in trans with a second PATHOGENIC heterozygous variant (NM_004130.4(GYG1):c.646C>T; p.(Arg216*)) in a recessive disease. Additional information: This variant is heterozygous; This gene is associated with autosomal recessive disease; Alternative amino acid change(s) at the same position are present in gnomAD (highest allele count: v4: 1 heterozygote(s), 0 homozygote(s)); No published evidence of segregation with disease has been identified for this variant; No published functional evidence has been identified for this variant; No comparable splice variants have previous evidence for pathogenicity; Loss of function is a reported mechanism of disease in this gene and is associated with polyglucosan body myopathy type 2 (MONDO:0014526); Variants in this gene are known to have variable expressivity. Multiple cases have reported abnormal glycogen storage, and varying muscular phenotypes, age of onset, and sometimes severe cardiac disorders (PMIDs: 31791869, 32477874).

Labcorp Genetics (formerly Invitae), Labcorp
Classification: Likely pathogenic for Polyglucosan body myopathy type 2; Glycogen storage disease XV. Last evaluated: 2022-11-23. Review status: criteria provided, single submitter. Criteria: Invitae Variant Classification Sherloc (09022015). Collection method: clinical testing. Allele origin: germline.
Comment: In summary, the currently available evidence indicates that the variant is pathogenic, but additional data are needed to prove that conclusively. Therefore, this variant has been classified as Likely Pathogenic. Algorithms developed to predict the effect of sequence changes on RNA splicing suggest that this variant may disrupt the consensus splice site. This variant has not been reported in the literature in individuals affected with GYG1-related conditions. This variant is present in population databases (rs747647995, gnomAD 0.003%). This sequence change affects an acceptor splice site in intron 4 of the GYG1 gene. It is expected to disrupt RNA splicing. Variants that disrupt the donor or acceptor splice site typically lead to a loss of protein function (PMID: 16199547), and loss-of-function variants in GYG1 are known to be pathogenic (PMID: 20357282, 25272951).

Literature cited by the submitters: PubMed 32477874 (cited by Victorian Clinical Genetics Services, Murdoch Childrens Research Institute); PubMed 31791869 (cited by Victorian Clinical Genetics Services, Murdoch Childrens Research Institute); PubMed 16199547 (cited by Labcorp Genetics (formerly Invitae), Labcorp); PubMed 20357282 (cited by Labcorp Genetics (formerly Invitae), Labcorp); PubMed 25272951 (cited by Labcorp Genetics (formerly Invitae), Labcorp).

NM_004130.4(GYG1):c.482-1G>C

Gene: GYG1 (glycogenin 1; plus strand). Cytogenetic location: 3q24.
Variant type: single nucleotide variant.
Coding change: c.482-1G>C on transcript NM_004130.4 (MANE Select); the canonical splice acceptor site of the intron before coding-DNA position 482, G replaced by C.
Molecular consequence: splice acceptor variant.
Genome position (GRCh38, 1-based): chr3:149,009,275, G>C. VCF-style: chr3-149009275-G-C. GRCh37 (hg19) VCF-style: chr3-148727062-G-C.
Other names: c.482-1G>C (NM_001184720.2, NM_001184721.2).
Identifiers: ClinVar variation 2935601 (VCV002935601.4), dbSNP rs747647995, ClinGen allele CA2658571.